The following is an entry in ClinVar:

NM_001348768.2(HECW2):c.2681C>G (p.Ala894Gly)

Gene: HECW2 (HECT, C2 and WW domain containing E3 ubiquitin protein ligase 2; minus strand). Cytogenetic location: 2q32.3.
Variant type: single nucleotide variant.
Coding change: c.2681C>G on transcript NM_001348768.2 (MANE Select); coding-DNA position 2681, C replaced by G.
Protein change: p.Ala894Gly; replaces alanine 894 with glycine.
Molecular consequence: missense variant.
Genome position (GRCh38, 1-based): chr2:196,307,138, G>C on the plus strand (C>G on the coding strand, the complement: HECW2 is on the minus strand). VCF-style: chr2-196307138-G-C. GRCh37 (hg19) VCF-style: chr2-197171862-G-C.
Other names: c.2681C>G, p.Ala894Gly (NM_020760.4); c.1613C>G, p.Ala538Gly (NM_001304840.3); short protein forms A538G, A894G.
Identifiers: ClinVar variation 4849078 (VCV004849078.1).

ClinVar aggregate classification (germline): Uncertain significance (1 of 4 stars; one submission).

Submission:

Women's Health and Genetics/Laboratory Corporation of America, LabCorp
Classification: Uncertain significance. Last evaluated: 2026-04-29. Review status: criteria provided, single submitter. Criteria: LabCorp Variant Classification Summary - May 2015. Collection method: clinical testing. Allele origin: germline.
Comment: Variant summary: HECW2 c.2681C>G (p.Ala894Gly) results in a non-conservative amino acid change in the encoded protein sequence. Algorithms developed to predict the effect of missense changes on protein structure and function are either unavailable or do not agree on the potential impact of this missense change. The variant was absent in 251374 control chromosomes. The available data on variant occurrences in the general population are insufficient to allow any conclusion about variant significance. To our knowledge, no occurrence of c.2681C>G in individuals affected with HECW2-related conditions and no experimental evidence demonstrating its impact on protein function have been reported. No submitters have cited clinical-significance assessments for this variant to ClinVar. Based on the evidence outlined above, the variant was classified as uncertain significance.